The following is an entry in ClinVar:

NM_001376.5(DYNC1H1):c.3504del (p.Phe1169fs)

Gene: DYNC1H1 (dynein cytoplasmic 1 heavy chain 1; plus strand). Cytogenetic location: 14q32.31.
Variant type: Deletion.
Coding change: c.3504del on transcript NM_001376.5 (MANE Select); coding-DNA position 3504, one base deleted (C; older notation c.3504delC).
Protein change: p.Phe1169fs; shifts the reading frame from phenylalanine 1169.
Molecular consequence: frameshift variant.
Genome position (GRCh38, 1-based): chr14:101,995,240, C deleted; the last of 2 consecutive C bases (chr14:101,995,239-101,995,240); deleting either gives the same sequence. VCF-style (leftmost placement, unchanged base first): chr14-101995238-AC-A. GRCh37 (hg19) VCF-style: chr14-102461575-AC-A.
Other names: c.3504delC (NM_001376.4); short protein forms F1169fs.
Identifiers: ClinVar variation 1309036 (VCV001309036.4), dbSNP rs2141281091, ClinGen allele CA2573053849.

ClinVar aggregate classification (germline): Uncertain significance (1 of 4 stars; one submission).

Conditions:
Spinal muscular atrophy with lower extremity predominance. Also called: Autosomal dominant childhood-onset proximal spinal muscular atrophy. Identifiers: Orphanet 363447, MedGen C1834690, MONDO:0018190.
Autosomal dominant childhood-onset proximal spinal muscular atrophy without contractures. Also called: SPINAL MUSCULAR ATROPHY, JUVENILE, PROXIMAL, AUTOSOMAL DOMINANT; SPINAL MUSCULAR ATROPHY, CHILDHOOD, PROXIMAL, AUTOSOMAL DOMINANT; Spinal muscular atrophy, lower extremity-predominant 1, AD; KUGELBERG-WELANDER SYNDROME, AUTOSOMAL DOMINANT. Identifiers: Orphanet 209341, Orphanet 363447, MedGen C5780022, MONDO:0008026, OMIM 158600.
Charcot-Marie-Tooth disease axonal type 2O. Also called: CHARCOT-MARIE-TOOTH NEUROPATHY, AXONAL, TYPE 2O; CHARCOT-MARIE-TOOTH DISEASE, AXONAL, AUTOSOMAL DOMINANT, TYPE 2O; Charcot-Marie-Tooth Neuropathy Type 2O; Charcot-Marie-Tooth disease, axonal, type 20. Identifiers: Orphanet 284232, MedGen C3280220, MONDO:0013644, OMIM 614228.

Submission:

GeneDx
Classification: Uncertain significance. Last evaluated: 2019-10-16. Review status: criteria provided, single submitter. Criteria: GeneDx Variant Classification Process June 2021. Collection method: clinical testing. Allele origin: germline. Affected: yes.
Comment: Not observed in large population cohorts (Lek et al., 2016); Frameshift variant predicted to result in protein truncation or nonsense mediated decay in a gene for which loss-of-function is not a known mechanism of disease; Has not been previously published as pathogenic or benign to our knowledge